The following is an entry in ClinVar:

NM_001370658.1(BTD):c.*365dup

Gene: BTD (biotinidase; plus strand). Cytogenetic location: 3p25.1.
Variant type: Duplication.
Coding change: c.*365dup on transcript NM_001370658.1 (MANE Select); 365 bases downstream of the stop codon, one base duplicated (T; older notation c.*365dupT).
Molecular consequence: 3 prime UTR variant. On other transcripts: intron variant (2).
Genome position (GRCh38, 1-based): chr3:15,645,853, T duplicated; the last of 17 consecutive T bases (chr3:15,645,837-15,645,853); duplicating any one gives the same sequence. VCF-style (leftmost placement, unchanged base first): chr3-15645836-G-GT. GRCh37 (hg19) VCF-style: chr3-15687343-G-GT.
Other names: c.*365dup (NM_000060.4, NM_001281723.4, NM_001281724.3 and 17 more transcripts); c.1015+922dup (NM_001370752.1); c.399+3796dup (NM_001370753.1).
Identifiers: ClinVar variation 1706723 (VCV001706723.2), dbSNP rs1199838348, ClinGen allele CA541348106.
Genomic context (GRCh38, chr3:15,645,836, plus strand): 5'-AGCTAAAACAAAAATAAATGTCAGTTTATATTTTACACATCCACAAAGCAGTGGCTTGGG[G>GT]TTTTTTTTTTTTTTTTTATCTTGTTGATCAAGTGACACCCAGGACATGTAAATATTTCAT-3'

ClinVar aggregate classification (germline): Likely benign (1 of 4 stars; one submission).

Submission:

GeneDx
Classification: Likely benign. Last evaluated: 2021-05-26. Review status: criteria provided, single submitter. Criteria: GeneDx Variant Classification Process June 2021. Collection method: clinical testing. Allele origin: germline. Affected: yes.
Comment: See Variant Classification Assertion Criteria.